The following is an entry in ClinVar:

ClinVar aggregate classification (germline): Uncertain significance (1 of 4 stars; one submission).

Conditions:
Acromelic frontonasal dysostosis (AFND). Identifiers: Orphanet 1827, MedGen C1863616, MONDO:0011359, OMIM 603671.
Neurodevelopmental disorder with movement abnormalities, abnormal gait, and autistic features. Identifiers: MedGen C4693405, MONDO:0060642, OMIM 617865.

Submission:

Juno Genomics, Hangzhou Juno Genomics, Inc
Classification: Uncertain significance for Acromelic frontonasal dysostosis; Neurodevelopmental disorder with movement abnormalities, abnormal gait, and autistic features. Review status: criteria provided, single submitter. Criteria: ACMG Guidelines, 2015. Collection method: clinical testing. Allele origin: germline.
Comment: Absent from controls (or at extremely low frequency if recessive) in Genome Aggregation Database.;Protein length changes due to in-frame deletions/insertions in a non-repeat region or stop-loss variants.

NM_020928.2(ZSWIM6):c.3066_3068del (p.Thr1023del)

Gene: ZSWIM6 (zinc finger SWIM-type containing 6; plus strand). Cytogenetic location: 5q12.1.
Variant type: Deletion.
Coding change: c.3066_3068del on transcript NM_020928.2 (MANE Select); coding-DNA positions 3066 to 3068, 3 bases deleted (GAC; older notation c.3066_3068delGAC).
Protein change: p.Thr1023del; deletes threonine 1023.
Molecular consequence: inframe deletion.
Genome position (GRCh38, 1-based): chr5:61,543,735-61,543,737, GAC deleted; deleting any 3 consecutive bases within chr5:61,543,733-61,543,737 gives the same sequence; the c. name uses the placement nearest the transcript's 3' end. VCF-style (leftmost placement, unchanged base first): chr5-61543732-TACG-T. GRCh37 (hg19) VCF-style: chr5-60839559-TACG-T.
Other names: short protein forms T1023del.
Identifiers: ClinVar variation 5006914 (VCV005006914.2).